The following is an entry in ClinVar:

NM_003737.4(DCHS1):c.9057C>A (p.Tyr3019Ter)

Gene: DCHS1 (dachsous cadherin-related 1; minus strand). Cytogenetic location: 11p15.4.
Variant type: single nucleotide variant.
Coding change: c.9057C>A on transcript NM_003737.4 (MANE Select); coding-DNA position 9057, C replaced by A.
Protein change: p.Tyr3019Ter; replaces tyrosine 3019 with a stop codon.
Molecular consequence: nonsense.
Genome position (GRCh38, 1-based): chr11:6,622,619, G>T on the plus strand (C>A on the coding strand, the complement: DCHS1 is on the minus strand). VCF-style: chr11-6622619-G-T. GRCh37 (hg19) VCF-style: chr11-6643850-G-T.
Other names: short protein forms Y3019*.
Identifiers: ClinVar variation 1015415 (VCV001015415.7), dbSNP rs1191040352, ClinGen allele CA379479740.

ClinVar aggregate classification (germline): Uncertain significance (1 of 4 stars; one submission).

Submission:

Labcorp Genetics (formerly Invitae), Labcorp
Classification: Uncertain significance. Last evaluated: 2018-03-08. Review status: criteria provided, single submitter. Criteria: Invitae Variant Classification Sherloc (09022015). Collection method: clinical testing. Allele origin: germline.
Comment: In summary, the available evidence is currently insufficient to determine the role of this variant in disease. Therefore, it has been classified as a Variant of Uncertain Significance. Experimental studies and prediction algorithms are not available for this variant, and the functional significance of the deleted amino acids is currently unknown. This variant has not been reported in the literature in individuals with DCHS1-related disease. This variant is not present in population databases (ExAC no frequency). This sequence change results in a premature translational stop signal in the DCHS1 gene (p.Tyr3019*). While this is not anticipated to result in nonsense mediated decay, it is expected to delete the last 280 amino acids of the DCHS1 protein.